The following is an entry in ClinVar:

ClinVar aggregate classification (germline): Uncertain significance (1 of 4 stars; one submission).

Conditions:
Hereditary cancer-predisposing syndrome. Also called: Tumor predisposition; Neoplastic Syndromes, Hereditary; Hereditary neoplastic syndrome; Hereditary Cancer Syndrome. Identifiers: Orphanet 140162, MedGen C0027672, MeSH D009386, MONDO:0015356.

Submission:

Ambry Genetics
Classification: Uncertain significance for Hereditary cancer-predisposing syndrome. Last evaluated: 2024-08-10. Review status: criteria provided, single submitter. Criteria: Ambry Variant Classification Scheme 2023. Collection method: clinical testing. Allele origin: germline.
Comment: The c.1250+5G>C intronic variant results from a G to C substitution 5 nucleotides after coding exon 12 in the BAP1 gene. This nucleotide position is highly conserved in available vertebrate species. In silico splice site analysis predicts that this alteration will weaken the native splice donor site and will result in the creation or strengthening of a novel splice donor site; however, direct evidence is insufficient at this time (Ambry internal data). Based on the available evidence, the clinical significance of this variant remains unclear.

NM_004656.4(BAP1):c.1250+5G>C

Gene: BAP1 (BRCA1 associated deubiquitinase 1; minus strand). Cytogenetic location: 3p21.1.
Variant type: single nucleotide variant.
Coding change: c.1250+5G>C on transcript NM_004656.4 (MANE Select); 5 bases into the intron after coding-DNA position 1250, G replaced by C.
Molecular consequence: intron variant.
Genome position (GRCh38, 1-based): chr3:52,404,448, C>G on the plus strand (G>C on the coding strand, the complement: BAP1 is on the minus strand). VCF-style: chr3-52404448-C-G. GRCh37 (hg19) VCF-style: chr3-52438464-C-G.
Other names: c.1196+5G>C (NM_001410772.1).
Identifiers: ClinVar variation 3476664 (VCV003476664.1).